The following is an entry in ClinVar:

NM_001844.5(COL2A1):c.3952G>A (p.Glu1318Lys)

Gene: COL2A1 (collagen type II alpha 1 chain; minus strand). Cytogenetic location: 12q13.11.
Variant type: single nucleotide variant.
Coding change: c.3952G>A on transcript NM_001844.5 (MANE Select); coding-DNA position 3952, G replaced by A.
Protein change: p.Glu1318Lys; replaces glutamic acid 1318 with lysine.
Molecular consequence: missense variant.
Genome position (GRCh38, 1-based): chr12:47,974,797, C>T on the plus strand (G>A on the coding strand, the complement: COL2A1 is on the minus strand). VCF-style: chr12-47974797-C-T. GRCh37 (hg19) VCF-style: chr12-48368580-C-T.
Other names: c.3745G>A, p.Glu1249Lys (NM_033150.3); short protein forms E1318K, E1249K.
Identifiers: ClinVar variation 389472 (VCV000389472.17), dbSNP rs781229123, ClinGen allele CA6534592.

ClinVar aggregate classification (germline): Conflicting classifications of pathogenicity. Review status: criteria provided, conflicting classifications (1 of 4 stars). 4 submissions from 4 submitters: Uncertain significance (1); Benign (1); Likely benign (2). Last evaluated 2026-09-04.

Conditions:
COL2A1-related disorder. Also called: COL2A1-related condition; COL2A1-related disorders.

Allele frequency attached by ClinVar (database versions not stated): gnomAD 0.00001; gnomAD exomes 0.00006 and 0.00008; ExAC 0.00015.
gnomAD v4.1: 90 of 1,614,202 alleles (0.0056%); highest among the groups gnomAD compares: South Asian, 0.088%; 6 homozygotes.

Submissions (4):

PreventionGenetics, part of Exact Sciences
Classification: Likely benign for COL2A1-related condition. Last evaluated: 2026-09-04. Review status: criteria provided, single submitter. Criteria: ACMG Guidelines, 2015. Collection method: clinical testing. Allele origin: germline.
Comment: This variant is classified as likely benign based on ACMG/AMP sequence variant interpretation guidelines (Richards et al. 2015 PMID: 25741868, with internal and published modifications).

Labcorp Genetics (formerly Invitae), Labcorp
Classification: Benign. Last evaluated: 2025-04-24. Review status: criteria provided, single submitter. Criteria: Invitae Variant Classification Sherloc (09022015). Collection method: clinical testing. Allele origin: germline.

GeneDx
Classification: Likely benign. Last evaluated: 2017-12-06. Review status: criteria provided, single submitter. Criteria: GeneDx Variant Classification (06012015). Collection method: clinical testing. Allele origin: germline. Affected: yes.
Comment: This variant is considered likely benign or benign based on one or more of the following criteria: it is a conservative change, it occurs at a poorly conserved position in the protein, it is predicted to be benign by multiple in silico algorithms, and/or has population frequency not consistent with disease.

Eurofins Ntd Llc (ga)
Classification: Uncertain significance. Last evaluated: 2017-05-30. Review status: criteria provided, single submitter. Criteria: EGL Classification Definitions 2015. Collection method: clinical testing. Allele origin: germline. Observed: 2 variant alleles, 2 heterozygotes.